The following is an entry in ClinVar:

ClinVar aggregate classification (germline): Pathogenic (0 of 4 stars; one submission).

Conditions:
Fanconi anemia complementation group I (FANCI). Also called: FANCI-Related Fanconi Anemia. Identifiers: Orphanet 84, MedGen C1836861, MONDO:0012186, OMIM 609053.

Submission:

Leiden Open Variation Database
Classification: Pathogenic for Fanconi anemia complementation group I. Last evaluated: 2020-02-27. Review status: no assertion criteria provided. Collection method: curation. Allele origin: germline. Affected: yes.
Comment: Curator: Arleen D. Auerbach. Submitter to LOVD: Arleen D. Auerbach.

Literature cited by the submitters: PubMed 17452773; PubMed 17460694.

NM_001113378.2(FANCI):c.3437_3455del (p.His1146fs)

Gene: FANCI (FA complementation group I; plus strand). Cytogenetic location: 15q26.1.
Variant type: Deletion.
Coding change: c.3437_3455del on transcript NM_001113378.2 (MANE Select); coding-DNA positions 3437 to 3455, 19 bases deleted (ACGAGCTGGTGCAGACAGC).
Protein change: p.His1146fs; shifts the reading frame from histidine 1146.
Molecular consequence: frameshift variant.
Genome position (GRCh38, 1-based): chr15:89,306,094-89,306,112, ACGAGCTGGTGCAGACAGC deleted; deleting any 19 consecutive bases within chr15:89,306,093-89,306,112 gives the same sequence; the c. name uses the placement nearest the transcript's 3' end. VCF-style (leftmost placement, unchanged base first): chr15-89306092-CCACGAGCTGGTGCAGACAG-C. GRCh37 (hg19) VCF-style: chr15-89849323-CCACGAGCTGGTGCAGACAG-C.
Other names: c.3158_3176del, p.His1053fs (NM_001376910.1); c.3437_3455del, p.His1146fs (NM_001376911.1); c.3257_3275del, p.His1086fs (NM_018193.3); short protein forms H1053fs, H1086fs, H1146fs.
Identifiers: ClinVar variation 929714 (VCV000929714.1), dbSNP rs2054707218, ClinGen allele CA1139664149.